The following is an entry in ClinVar:

ClinVar aggregate classification (germline): Uncertain significance (1 of 4 stars; one submission).

Conditions:
Autosomal recessive limb-girdle muscular dystrophy type R18 (LGMDR18). Also called: Limb-girdle muscular dystrophy, type 2S; MUSCULAR DYSTROPHY, LIMB-GIRDLE, AUTOSOMAL RECESSIVE 18; Autosomal recessive limb-girdle muscular dystrophy type 2S. Identifiers: Orphanet 369840, MedGen C4517996, MONDO:0014144, OMIM 615356.

Allele frequency attached by ClinVar (database versions not stated): gnomAD exomes below 0.00001.
gnomAD v4.1: 3 of 1,613,982 alleles (0.00019%); highest among the groups gnomAD compares: Non-Finnish European, 0.00025%; no homozygotes.

Submission:

Labcorp Genetics (formerly Invitae), Labcorp
Classification: Uncertain significance for Autosomal recessive limb-girdle muscular dystrophy type R18. Last evaluated: 2022-03-04. Review status: criteria provided, single submitter. Criteria: Invitae Variant Classification Sherloc (09022015). Collection method: clinical testing. Allele origin: germline.
Comment: This sequence change replaces valine, which is neutral and non-polar, with isoleucine, which is neutral and non-polar, at codon 626 of the TRAPPC11 protein (p.Val626Ile). This variant is present in population databases (no rsID available, gnomAD 0.0009%). This variant has not been reported in the literature in individuals affected with TRAPPC11-related conditions. Algorithms developed to predict the effect of missense changes on protein structure and function output the following: SIFT: "Tolerated"; PolyPhen-2: "Benign"; Align-GVGD: "Class C0". The isoleucine amino acid residue is found in multiple mammalian species, which suggests that this missense change does not adversely affect protein function. In summary, the available evidence is currently insufficient to determine the role of this variant in disease. Therefore, it has been classified as a Variant of Uncertain Significance.

NM_021942.6(TRAPPC11):c.1876G>A (p.Val626Ile)

Gene: TRAPPC11 (trafficking protein particle complex subunit 11; plus strand). Cytogenetic location: 4q35.1.
Variant type: single nucleotide variant.
Coding change: c.1876G>A on transcript NM_021942.6 (MANE Select); coding-DNA position 1876, G replaced by A.
Protein change: p.Val626Ile; replaces valine 626 with isoleucine.
Molecular consequence: missense variant.
Genome position (GRCh38, 1-based): chr4:183,686,731, G>A. VCF-style: chr4-183686731-G-A. GRCh37 (hg19) VCF-style: chr4-184607884-G-A.
Other names: c.1876G>A, p.Val626Ile (NM_199053.3); short protein forms V626I.
Identifiers: ClinVar variation 2167805 (VCV002167805.1), dbSNP rs1203325292, ClinGen allele CA358869891.